The following is an entry in ClinVar:

ClinVar aggregate classification (germline): Uncertain significance. Review status: criteria provided, multiple submitters, no conflicts (2 of 4 stars). 2 submissions from 2 submitters: Uncertain significance (2). Last evaluated 2025-12-07.

Conditions:
Hereditary cancer-predisposing syndrome. Also called: Neoplastic Syndromes, Hereditary; Tumor predisposition; Hereditary Cancer Syndrome; Hereditary neoplastic syndrome. Identifiers: Orphanet 140162, MedGen C0027672, MeSH D009386, MONDO:0015356.
Retinoblastoma (RB1). Also called: RETINOBLASTOMA, SOMATIC. Identifiers: Orphanet 790, MedGen C0035335, MeSH D012175, MONDO:0008380, OMIM 180200, HP:0009919. Disease mechanism: loss of function. Inheritance: Both sporadic and heritable forms are tested..

Submissions (2):

Ambry Genetics
Classification: Uncertain significance for Hereditary cancer-predisposing syndrome. Last evaluated: 2025-12-07. Review status: criteria provided, single submitter. Criteria: Ambry Variant Classification Scheme 2023. Collection method: clinical testing. Allele origin: germline.
Comment: The p.T408R variant (also known as c.1223C>G), located in coding exon 13 of the RB1 gene, results from a C to G substitution at nucleotide position 1223. The threonine at codon 408 is replaced by arginine, an amino acid with similar properties. This amino acid position is conserved. In addition, this alteration is predicted to be deleterious by in silico analysis. Since supporting evidence is limited at this time, the clinical significance of this alteration remains unclear.

Labcorp Genetics (formerly Invitae), Labcorp
Classification: Uncertain significance for Retinoblastoma. Last evaluated: 2024-06-15. Review status: criteria provided, single submitter. Criteria: Invitae Variant Classification Sherloc (09022015). Collection method: clinical testing. Allele origin: germline.
Comment: This sequence change replaces threonine, which is neutral and polar, with arginine, which is basic and polar, at codon 408 of the RB1 protein (p.Thr408Arg). This variant is not present in population databases (gnomAD no frequency). This variant has not been reported in the literature in individuals affected with RB1-related conditions. ClinVar contains an entry for this variant (Variation ID: 1753624). Advanced modeling of protein sequence and biophysical properties (such as structural, functional, and spatial information, amino acid conservation, physicochemical variation, residue mobility, and thermodynamic stability) performed at Invitae indicates that this missense variant is not expected to disrupt RB1 protein function with a negative predictive value of 80%. In summary, the available evidence is currently insufficient to determine the role of this variant in disease. Therefore, it has been classified as a Variant of Uncertain Significance.

NM_000321.3(RB1):c.1223C>G (p.Thr408Arg)

Gene: RB1 (RB transcriptional corepressor 1; plus strand). Cytogenetic location: 13q14.2.
Variant type: single nucleotide variant.
Coding change: c.1223C>G on transcript NM_000321.3 (MANE Select); coding-DNA position 1223, C replaced by G.
Protein change: p.Thr408Arg; replaces threonine 408 with arginine.
Molecular consequence: missense variant.
Genome position (GRCh38, 1-based): chr13:48,376,925, C>G. VCF-style: chr13-48376925-C-G. GRCh37 (hg19) VCF-style: chr13-48951061-C-G.
Other names: c.1223C>G, p.Thr408Arg (NM_001407165.1, NM_001407166.1); short protein forms T408R.
Identifiers: ClinVar variation 1753624 (VCV001753624.5), dbSNP rs1462238834, ClinGen allele CA388161947.
Genomic context (GRCh38, chr13:48,376,925, plus strand): 5'-AATTCTGATTACACAGTATCCTCGACATTGATTTCTGTTTTTACCTCCTAAAGAACTGCA[C>G]AGTGAATCCAAAAGAAAGTATACTGAAAAGAGTGAAGGATATAGGATACATCTTTAAAGA-3'
Protein context (NP_000312.2, residues 398-418): ENLISYFNNC[Thr408Arg]VNPKESILKR